The following is an entry in ClinVar:

ClinVar aggregate classification (germline): Uncertain significance (1 of 4 stars; one submission).

Conditions:
Juvenile onset Parkinson disease 19A. Also called: PARK19; DNAJC6 Parkinson Disease. Identifiers: Orphanet 391411, MedGen C3809811, MONDO:0014231, OMIM 615528.

Allele frequency attached by ClinVar (database versions not stated): gnomAD exomes below 0.00001; TOPMed below 0.00001; gnomAD 0.00002.
gnomAD v4.1: 6 of 1,613,432 alleles (0.00037%); highest among the groups gnomAD compares: African/African-American, 0.008%; no homozygotes.

Submission:

Labcorp Genetics (formerly Invitae), Labcorp
Classification: Uncertain significance for Juvenile onset Parkinson disease 19A. Last evaluated: 2021-08-31. Review status: criteria provided, single submitter. Criteria: Invitae Variant Classification Sherloc (09022015). Collection method: clinical testing. Allele origin: germline.
Comment: This sequence change replaces tyrosine with cysteine at codon 173 of the DNAJC6 protein (p.Tyr173Cys). The tyrosine residue is moderately conserved and there is a large physicochemical difference between tyrosine and cysteine. This variant is not present in population databases (ExAC no frequency). In summary, the available evidence is currently insufficient to determine the role of this variant in disease. Therefore, it has been classified as a Variant of Uncertain Significance. Algorithms developed to predict the effect of missense changes on protein structure and function are either unavailable or do not agree on the potential impact of this missense change (SIFT: "Tolerated"; PolyPhen-2: "Probably Damaging"; Align-GVGD: "Class C15"). This variant has not been reported in the literature in individuals affected with DNAJC6-related conditions.

NM_001256864.2(DNAJC6):c.518A>G (p.Tyr173Cys)

Gene: DNAJC6 (DnaJ heat shock protein family (Hsp40) member C6; plus strand). Cytogenetic location: 1p31.3.
Variant type: single nucleotide variant.
Coding change: c.518A>G on transcript NM_001256864.2 (MANE Select); coding-DNA position 518, A replaced by G.
Protein change: p.Tyr173Cys; replaces tyrosine 173 with cysteine.
Molecular consequence: missense variant.
Genome position (GRCh38, 1-based): chr1:65,366,171, A>G. VCF-style: chr1-65366171-A-G. GRCh37 (hg19) VCF-style: chr1-65831854-A-G.
Other names: c.308A>G, p.Tyr103Cys (NM_001256865.2); c.347A>G, p.Tyr116Cys (NM_014787.4); short protein forms Y116C, Y173C, Y103C.
Identifiers: ClinVar variation 1382772 (VCV001382772.6), dbSNP rs1428381539, ClinGen allele CA340676420.